The following is an entry in ClinVar:

ClinVar aggregate classification (germline): Likely benign (1 of 4 stars; one submission).

Allele frequency attached by ClinVar (database versions not stated): 1000 Genomes Project 30x 0.00078; ExAC 0.00090; gnomAD 0.00099; ESP Exome Variant Server 0.00062; gnomAD exomes 0.00126; TOPMed 0.00144; 1000 Genomes Project 0.00100.
gnomAD v4.1: 2,030 of 1,613,344 alleles (0.13%); highest among the groups gnomAD compares: Non-Finnish European, 0.16%; 6 homozygotes.

Submission:

CeGaT Center for Human Genetics Tuebingen
Classification: Likely benign. Last evaluated: 2024-10-01. Review status: criteria provided, single submitter. Criteria: CeGaT Center For Human Genetics Tuebingen Variant Classification Criteria Version 2. Collection method: clinical testing. Allele origin: germline. Affected: yes. Observed: 2 variant alleles.
Comment: ADAMTS4: BP4

NM_005099.6(ADAMTS4):c.298T>C (p.Ser100Pro)

Genes: ADAMTS4 (ADAM metallopeptidase with thrombospondin type 1 motif 4; minus strand), NDUFS2 (NADH:ubiquinone oxidoreductase core subunit S2; plus strand). Cytogenetic location: 1q23.3.
Variant type: single nucleotide variant.
Coding change: c.298T>C on transcript NM_005099.6 (MANE Select); coding-DNA position 298, T replaced by C.
Protein change: p.Ser100Pro; replaces serine 100 with proline.
Molecular consequence: missense variant. On other transcripts: intron variant (2).
Genome position (GRCh38, 1-based): chr1:161,198,330, A>G on the plus strand (T>C on the coding strand, the complement: ADAMTS4 is on the minus strand). VCF-style: chr1-161198330-A-G. GRCh37 (hg19) VCF-style: chr1-161168120-A-G.
Other names: c.298T>C, p.Ser100Pro (NM_001320336.3); c.-240+843A>G (NM_001377300.1, NM_001377298.1); short protein forms S100P.
Identifiers: ClinVar variation 3024829 (VCV003024829.20), dbSNP rs113202559, ClinGen allele CA1208373.